The following is an entry in ClinVar:

ClinVar aggregate classification (germline): Uncertain significance (1 of 4 stars; one submission).

Conditions:
Cardiovascular phenotype. Identifiers: MedGen CN230736.

Submission:

Ambry Genetics
Classification: Uncertain significance for Cardiovascular phenotype. Last evaluated: 2025-08-24. Review status: criteria provided, single submitter. Criteria: Ambry Variant Classification Scheme 2023. Collection method: clinical testing. Allele origin: germline.
Comment: The p.P3145S variant (also known as c.9433C>T), located in coding exon 26 of the APOB gene, results from a C to T substitution at nucleotide position 9433. The proline at codon 3145 is replaced by serine, an amino acid with similar properties. This amino acid position is conserved. In addition, this alteration is predicted to be tolerated by in silico analysis. Based on the available evidence, the clinical significance of this variant remains unclear.

NM_000384.3(APOB):c.9433C>T (p.Pro3145Ser)

Gene: APOB (apolipoprotein B; minus strand). Cytogenetic location: 2p24.1.
Variant type: single nucleotide variant.
Coding change: c.9433C>T on transcript NM_000384.3 (MANE Select); coding-DNA position 9433, C replaced by T.
Protein change: p.Pro3145Ser; replaces proline 3145 with serine.
Molecular consequence: missense variant.
Genome position (GRCh38, 1-based): chr2:21,007,435, G>A on the plus strand (C>T on the coding strand, the complement: APOB is on the minus strand). VCF-style: chr2-21007435-G-A. GRCh37 (hg19) VCF-style: chr2-21230307-G-A.
Other names: short protein forms P3145S.
Identifiers: ClinVar variation 4125324 (VCV004125324.1).